The following is an entry in ClinVar:

NM_000492.4(CFTR):c.4051A>G (p.Lys1351Glu)

Gene: CFTR (CF transmembrane conductance regulator; plus strand). Cytogenetic location: 7q31.2.
Variant type: single nucleotide variant.
Coding change: c.4051A>G on transcript NM_000492.4 (MANE Select); coding-DNA position 4051, A replaced by G.
Protein change: p.Lys1351Glu; replaces lysine 1351 with glutamic acid.
Molecular consequence: missense variant.
Genome position (GRCh38, 1-based): chr7:117,664,775, A>G. VCF-style: chr7-117664775-A-G. GRCh37 (hg19) VCF-style: chr7-117304829-A-G.
Other names: short protein forms K1351E.
Identifiers: ClinVar variation 53881 (VCV000053881.5), dbSNP rs397508666, ClinGen allele CA327391.

ClinVar aggregate classification (germline): Uncertain significance. Review status: criteria provided, multiple submitters, no conflicts (2 of 4 stars). 4 submissions from 4 submitters: Uncertain significance (2). 2 of the submissions do not count toward it. Last evaluated 2021-11-11.

Conditions:
Cystic fibrosis (CF). Also called: MUCOVISCIDOSIS. Identifiers: Orphanet 586, MedGen C0010674, MONDO:0009061, OMIM 219700. Disease mechanism: loss of function.

Allele frequency attached by ClinVar (database versions not stated): gnomAD exomes below 0.00001.
gnomAD v4.1: 1 of 1,614,066 alleles (0.000062%); no homozygotes.

Submissions (4):

Johns Hopkins Genomics, Johns Hopkins University
Classification: Uncertain significance for Cystic fibrosis. Last evaluated: 2021-11-11. Review status: criteria provided, single submitter. Criteria: ACMG Guidelines, 2015. Collection method: clinical testing. Allele origin: germline.
Comment: This variant is absent from a large population dataset, but it has been reported in ClinVar. Of three bioinformatics tools queried, two predict that the substitution would be damaging, while one predicts that it would be tolerated. The lysine residue at this position is evolutionarily conserved in most of the species assessed. We consider the clinical significance of c.4051A>G to be uncertain at this time.

Ambry Genetics
Classification: Uncertain significance for Cystic fibrosis. Last evaluated: 2014-08-04. Review status: criteria provided, single submitter. Criteria: Ambry Variant Classification Scheme 2023. Collection method: clinical testing. Allele origin: germline.
Comment: The p.K1351E variant (also known as c.4051A>G), located in coding exon 25 of the CFTR gene, results from an A to G substitution at nucleotide position 4051. The lysine at codon 1351 is replaced by glutamic acid, an amino acid with similar properties. This amino acid position is highly conserved in available vertebrate species. In addition, this alteration is predicted to be deleterious by in silico analysis. Since supporting evidence is limited at this time, the clinical significance of this alteration remains unclear.

Counsyl
Classification: Uncertain significance for Cystic fibrosis. Last evaluated: 2018-04-26. Review status: no assertion criteria provided. Collection method: clinical testing. Allele origin: unknown. Not counted in ClinVar's aggregate classification.

ClinVar Staff, National Center for Biotechnology Information (NCBI)
No classification provided. Condition: CFTR-related disorders. Review status: no classification provided. Collection method: literature only. Allele origin: germline. Affected: yes. Not counted in ClinVar's aggregate classification.

Literature cited by the submitters: PubMed 16989640 (cited by Johns Hopkins Genomics, Johns Hopkins University); PubMed 9272157 (cited by Johns Hopkins Genomics, Johns Hopkins University and Ambry Genetics); PubMed 26277102 (cited by Ambry Genetics); PubMed 20059485 (cited by ClinVar Staff, National Center for Biotechnology Information (NCBI)).